The following is an entry in ClinVar:

ClinVar aggregate classification (germline): Uncertain significance. Review status: criteria provided, multiple submitters, no conflicts (2 of 4 stars). 2 submissions from 2 submitters: Uncertain significance (2). Last evaluated 2024-10-01.

gnomAD v4.1: 5 of 1,613,998 alleles (0.00031%); highest among the groups gnomAD compares: Admixed American, 0.005%; no homozygotes.

Submissions (2):

Labcorp Genetics (formerly Invitae), Labcorp
Classification: Uncertain significance. Last evaluated: 2024-10-01. Review status: criteria provided, single submitter. Criteria: Invitae Variant Classification Sherloc (09022015). Collection method: clinical testing. Allele origin: germline.
Comment: This sequence change replaces glycine, which is neutral and non-polar, with alanine, which is neutral and non-polar, at codon 64 of the SLC25A38 protein (p.Gly64Ala). This variant also falls at the last nucleotide of exon 2, which is part of the consensus splice site for this exon. This variant is present in population databases (no rsID available, gnomAD 0.006%). This variant has not been reported in the literature in individuals affected with SLC25A38-related conditions. An algorithm developed to predict the effect of missense changes on protein structure and function (PolyPhen-2) suggests that this variant¬†is likely to be tolerated. Variants that disrupt the consensus splice site are a relatively common cause of aberrant splicing (PMID: 17576681, 9536098). Algorithms developed to predict the effect of sequence changes on RNA splicing suggest that this variant may disrupt the consensus splice site. In summary, the available evidence is currently insufficient to determine the role of this variant in disease. Therefore, it has been classified as a Variant of Uncertain Significance.

Blueprint Genetics
Classification: Uncertain significance. Last evaluated: 2021-06-22. Review status: criteria provided, single submitter. Criteria: ACMG Guidelines, 2015. Collection method: clinical testing. Allele origin: germline.

Literature cited by the submitters: PubMed 17576681 (cited by Labcorp Genetics (formerly Invitae), Labcorp); PubMed 9536098 (cited by Labcorp Genetics (formerly Invitae), Labcorp).

NM_017875.4(SLC25A38):c.191G>C (p.Gly64Ala)

Gene: SLC25A38 (solute carrier family 25 member 38; plus strand). Cytogenetic location: 3p22.1.
Variant type: single nucleotide variant.
Coding change: c.191G>C on transcript NM_017875.4 (MANE Select); coding-DNA position 191, G replaced by C.
Protein change: p.Gly64Ala; replaces glycine 64 with alanine.
Molecular consequence: missense variant.
Genome position (GRCh38, 1-based): chr3:39,389,616, G>C. VCF-style: chr3-39389616-G-C. GRCh37 (hg19) VCF-style: chr3-39431107-G-C.
Other names: c.191G>C, p.Gly64Ala (NM_001354798.2); short protein forms G64A.
Identifiers: ClinVar variation 3617417 (VCV003617417.2).